The following is an entry in ClinVar:

NM_001254.4(CDC6):c.400T>G (p.Ser134Ala)

Gene: CDC6 (cell division cycle 6; plus strand). Cytogenetic location: 17q21.2.
Variant type: single nucleotide variant.
Coding change: c.400T>G on transcript NM_001254.4 (MANE Select); coding-DNA position 400, T replaced by G.
Protein change: p.Ser134Ala; replaces serine 134 with alanine.
Molecular consequence: missense variant.
Genome position (GRCh38, 1-based): chr17:40,291,279, T>G. VCF-style: chr17-40291279-T-G. GRCh37 (hg19) VCF-style: chr17-38447531-T-G.
Other names: short protein forms S134A.
Identifiers: ClinVar variation 1910508 (VCV001910508.5), dbSNP rs1167298335, ClinGen allele CA399327645.

ClinVar aggregate classification (germline): Uncertain significance (1 of 4 stars; one submission).

Allele frequency attached by ClinVar (database versions not stated): gnomAD exomes below 0.00001.
gnomAD v4.1: 2 of 1,614,136 alleles (0.00012%); highest among the groups gnomAD compares: Admixed American, 0.0017%; no homozygotes.

Submission:

Labcorp Genetics (formerly Invitae), Labcorp
Classification: Uncertain significance. Last evaluated: 2025-11-18. Review status: criteria provided, single submitter. Criteria: Invitae Variant Classification Sherloc (09022015). Collection method: clinical testing. Allele origin: germline.
Comment: This sequence change replaces serine, which is neutral and polar, with alanine, which is neutral and non-polar, at codon 134 of the CDC6 protein (p.Ser134Ala). This variant is present in population databases (no rsID available, gnomAD 0.003%). This variant has not been reported in the literature in individuals affected with CDC6-related conditions. ClinVar contains an entry for this variant (Variation ID: 1910508). An algorithm developed to predict the effect of missense changes on protein structure and function (PolyPhen-2) suggests that this variant is likely to be tolerated. In summary, the available evidence is currently insufficient to determine the role of this variant in disease. Therefore, it has been classified as a Variant of Uncertain Significance.